The following is an entry in ClinVar:

NM_001205293.3(CACNA1E):c.5050G>T (p.Ala1684Ser)

Gene: CACNA1E (calcium voltage-gated channel subunit alpha1 E; plus strand). Cytogenetic location: 1q25.3.
Variant type: single nucleotide variant.
Coding change: c.5050G>T on transcript NM_001205293.3 (MANE Select); coding-DNA position 5050, G replaced by T.
Protein change: p.Ala1684Ser; replaces alanine 1684 with serine.
Molecular consequence: missense variant.
Genome position (GRCh38, 1-based): chr1:181,772,142, G>T. VCF-style: chr1-181772142-G-T. GRCh37 (hg19) VCF-style: chr1-181741278-G-T.
Other names: c.5050G>T, p.Ala1684Ser (NM_000721.4); c.4993G>T, p.Ala1665Ser (NM_001205294.2); short protein forms A1665S, A1684S.
Identifiers: ClinVar variation 2119936 (VCV002119936.4), dbSNP rs373091982, ClinGen allele CA1276003.

ClinVar aggregate classification (germline): Uncertain significance (1 of 4 stars; one submission).

gnomAD v4.1: 3 of 1,613,922 alleles (0.00019%); highest among the groups gnomAD compares: Non-Finnish European, 0.00025%; no homozygotes.

Submission:

Labcorp Genetics (formerly Invitae), Labcorp
Classification: Uncertain significance. Last evaluated: 2022-03-31. Review status: criteria provided, single submitter. Criteria: Invitae Variant Classification Sherloc (09022015). Collection method: clinical testing. Allele origin: germline.
Comment: Advanced modeling of protein sequence and biophysical properties (such as structural, functional, and spatial information, amino acid conservation, physicochemical variation, residue mobility, and thermodynamic stability) performed at Invitae indicates that this missense variant is not expected to disrupt CACNA1E protein function. This variant has not been reported in the literature in individuals affected with CACNA1E-related conditions. This variant is present in population databases (rs373091982, gnomAD 0.0009%). This sequence change replaces alanine, which is neutral and non-polar, with serine, which is neutral and polar, at codon 1684 of the CACNA1E protein (p.Ala1684Ser). Algorithms developed to predict the effect of sequence changes on RNA splicing suggest that this variant may create or strengthen a splice site. In summary, the available evidence is currently insufficient to determine the role of this variant in disease. Therefore, it has been classified as a Variant of Uncertain Significance.